The following is an entry in ClinVar:

ClinVar aggregate classification (germline): Uncertain significance. Review status: criteria provided, multiple submitters, no conflicts (2 of 4 stars). 3 submissions from 3 submitters: Uncertain significance (3). Last evaluated 2026-06-25.

Conditions:
Myopathy due to calsequestrin and SERCA1 protein overload. Also called: Myopathy, vacuolar, with casq1 aggregates. Identifiers: Orphanet 88635, MedGen C4015624, MONDO:0014546, OMIM 616231.

Submissions (3):

Women's Health and Genetics/Laboratory Corporation of America, LabCorp
Classification: Uncertain significance. Last evaluated: 2026-06-25. Review status: criteria provided, single submitter. Criteria: LabCorp Variant Classification Summary - May 2015. Collection method: clinical testing. Allele origin: germline.
Comment: Variant summary: CASQ1 c.1182_1187delTGATGA (p.Asp395_Asp396del) results in an in-frame deletion that is predicted to remove two amino acids from the encoded protein. The variant allele was found at a frequency of 8e-06 in 250590 control chromosomes. The available data on variant occurrences in the general population are insufficient to allow any conclusion about variant significance. To our knowledge, no occurrence of c.1182_1187delTGATGA in individuals affected with CASQ1-related conditions and no experimental evidence demonstrating its impact on protein function have been reported. ClinVar contains an entry for this variant (Variation ID: 422913). Based on the evidence outlined above, the variant was classified as uncertain significance.

Revvity Omics, Revvity
Classification: Uncertain significance for Myopathy due to calsequestrin and SERCA1 protein overload. Last evaluated: 2023-07-26. Review status: criteria provided, single submitter. Criteria: ACMG Guidelines, 2015. Collection method: clinical testing. Allele origin: germline.

GeneDx
Classification: Uncertain significance. Last evaluated: 2017-01-12. Review status: criteria provided, single submitter. Criteria: GeneDx Variant Classification (06012015). Collection method: clinical testing. Allele origin: germline. Affected: yes.
Comment: The c.1182_1187delTGATGA variant in the CASQ1 gene has not been reported previously as a pathogenic variant, nor as a benign variant, to our knowledge. This variant results in an in-frame deletion of Aspartic Acid 395 and 396, denoted p.Asp395_Asp396del. The c.1182_1187delTGATGA variant was not observed at any significant frequency in approximately 6500 individuals of European and African American ancestry in the NHLBI Exome Sequencing Project, indicating it is not a common benign variant in these populations. The residues removed by this variant are conserved across species. We interpret c.1182_1187delTGATGA as a variant of uncertain significance.

NM_001231.5(CASQ1):c.1176TGA[2] (p.Asp395_Asp396del)

Gene: CASQ1 (calsequestrin 1; plus strand). Cytogenetic location: 1q23.2.
Variant type: Microsatellite.
Coding change: c.1176TGA[2] on transcript NM_001231.5 (MANE Select); two copies in a row of the 3-base unit TGA starting at c.1176; the reference has four copies in a row; two copies, 6 bases deleted; also written c.1182_1187del.
Protein change: p.Asp395_Asp396del.
Molecular consequence: inframe deletion.
Genome position (GRCh38, 1-based): chr1:160,201,367-160,201,372, TGATGA deleted; deleting any 6 consecutive bases within chr1:160,201,359-160,201,372 gives the same sequence; the position shown is the placement nearest the transcript's 3' end. VCF-style (leftmost placement, unchanged base first): chr1-160201358-CGATGAT-C. GRCh37 (hg19) VCF-style: chr1-160171148-CGATGAT-C.
Other names: c.1182_1187del (NM_001231.5); c.1182_1187delTGATGA (NM_001231.5).
Identifiers: ClinVar variation 422913 (VCV000422913.5), dbSNP rs754288969, ClinGen allele CA1196491.